The following is an entry in ClinVar:

ClinVar aggregate classification (germline): Likely benign. Review status: criteria provided, multiple submitters, no conflicts (2 of 4 stars). 2 submissions from 2 submitters: Likely benign (2). Last evaluated 2026-01-01.

Conditions:
Progressive myoclonic epilepsy type 9. Identifiers: Orphanet 457265, MedGen C4225289, MONDO:0014685, OMIM 616540.
Lipodystrophy, partial, acquired, susceptibility to (APLD). Also called: APLD, SUSCEPTIBILITY TO. Identifiers: MedGen C3887501, MONDO:0100476, OMIM 608709.

Allele frequency attached by ClinVar (database versions not stated): gnomAD 0.00003 and 0.00004; gnomAD exomes 0.00004; TOPMed 0.00004; ExAC 0.00005.

Submissions (2):

CeGaT Center for Human Genetics Tuebingen
Classification: Likely benign. Last evaluated: 2026-01-01. Review status: criteria provided, single submitter. Criteria: CeGaT Center For Human Genetics Tuebingen Variant Classification Criteria Version 2. Collection method: clinical testing. Allele origin: germline. Affected: yes. Observed: 1 variant allele.
Comment: LMNB2: BP4, BP7

Labcorp Genetics (formerly Invitae), Labcorp
Classification: Likely benign for Progressive myoclonic epilepsy type 9; Lipodystrophy, partial, acquired, susceptibility to. Last evaluated: 2025-12-19. Review status: criteria provided, single submitter. Criteria: Invitae Variant Classification Sherloc (09022015). Collection method: clinical testing. Allele origin: germline.

NM_032737.4(LMNB2):c.1230G>A (p.Ser410=)

Gene: LMNB2 (lamin B2; minus strand). Cytogenetic location: 19p13.3.
Variant type: single nucleotide variant.
Coding change: c.1230G>A on transcript NM_032737.4 (MANE Select); coding-DNA position 1230, G replaced by A.
Protein change: p.Ser410=; no amino-acid change (serine 410 retained).
Molecular consequence: synonymous variant.
Genome position (GRCh38, 1-based): chr19:2,434,078, C>T on the plus strand (G>A on the coding strand, the complement: LMNB2 is on the minus strand). VCF-style: chr19-2434078-C-T. GRCh37 (hg19) VCF-style: chr19-2434076-C-T.
Identifiers: ClinVar variation 716238 (VCV000716238.14), dbSNP rs765514044, ClinGen allele CA9067565.
Genomic context (GRCh38, chr19:2,434,078, plus strand): 5'-GCGCCCGGTGGCGGACAAGCTGCCGCTGCTGCTCGAGGTGGCTCGTGAGACGGTGACGCG[C>T]GAGGATGGGCTGGGGGACAGCTTCAGCCTGTGGGGAAGGCAAGGAAGGTGGGACTGGTAG-3'
Protein context (NP_116126.3, residues 400-420): ERLKLSPSPS[Ser410=]RVTVSRATSS